The following is an entry in ClinVar:

ClinVar aggregate classification (germline): Pathogenic/Likely pathogenic. Review status: criteria provided, multiple submitters, no conflicts (2 of 4 stars). 2 submissions from 2 submitters: Pathogenic (1); Likely pathogenic (1). Last evaluated 2024-12-07.

Conditions:
Primary ciliary dyskinesia 17. Also called: CILIARY DYSKINESIA, PRIMARY, 17, WITH OR WITHOUT SITUS INVERSUS. Identifiers: Orphanet 244, MedGen C3542550, MONDO:0013854, OMIM 614679.
Primary ciliary dyskinesia. Also called: Ciliary dyskinesia. Identifiers: Orphanet 244, MedGen C0008780, MONDO:0016575, HP:0012265.

gnomAD v4.1: 8 of 1,614,066 alleles (0.0005%); highest among the groups gnomAD compares: African/African-American, 0.011%; no homozygotes.

Submissions (2):

Labcorp Genetics (formerly Invitae), Labcorp
Classification: Pathogenic for Primary ciliary dyskinesia. Last evaluated: 2024-12-07. Review status: criteria provided, single submitter. Criteria: Invitae Variant Classification Sherloc (09022015). Collection method: clinical testing. Allele origin: germline.
Comment: This sequence change creates a premature translational stop signal (p.Glu100*) in the CCDC103 gene. While this is not anticipated to result in nonsense mediated decay, it is expected to disrupt the last 143 amino acid(s) of the CCDC103 protein. This variant is present in population databases (no rsID available, gnomAD 0.01%). This premature translational stop signal has been observed in individual(s) with clinical features of primary ciliary dyskinesia (internal data). In at least one individual the data is consistent with being in trans (on the opposite chromosome) from a pathogenic variant. ClinVar contains an entry for this variant (Variation ID: 1453191). This variant disrupts a region of the CCDC103 protein in which other variant(s) (p.Glu189Alafs*18) have been determined to be pathogenic (internal data). This suggests that this is a clinically significant region of the protein, and that variants that disrupt it are likely to be disease-causing. For these reasons, this variant has been classified as Pathogenic.

Fulgent Genetics
Classification: Likely pathogenic for Primary ciliary dyskinesia 17. Last evaluated: 2024-05-15. Review status: criteria provided, single submitter. Criteria: ACMG Guidelines, 2015. Collection method: clinical testing. Allele origin: germline.

NM_213607.3(DNAAF19):c.298G>T (p.Glu100Ter)

Gene: DNAAF19 (dynein axonemal assembly factor 19; plus strand). Cytogenetic location: 17q21.31.
Variant type: single nucleotide variant.
Coding change: c.298G>T on transcript NM_213607.3 (MANE Select); coding-DNA position 298, G replaced by T.
Protein change: p.Glu100Ter; replaces glutamic acid 100 with a stop codon.
Molecular consequence: nonsense. On other transcripts: 3 prime UTR variant (1), missense variant (2).
Genome position (GRCh38, 1-based): chr17:44,902,386, G>T. VCF-style: chr17-44902386-G-T. GRCh37 (hg19) VCF-style: chr17-42979754-G-T.
Other names: c.298G>T, p.Glu100Ter (NM_001258395.2, NM_001258396.2); c.*48G>T (NM_001258397.3); c.299G>T, p.Arg100Leu (NM_001258398.3); c.302G>T, p.Arg101Leu (NM_001258399.2); short protein forms R101L, E100*, R100L.
Identifiers: ClinVar variation 1453191 (VCV001453191.8), dbSNP rs759224168, ClinGen allele CA399828629.